The following is an entry in ClinVar:

ClinVar aggregate classification (germline): Pathogenic (0 of 4 stars; one submission).

Conditions:
Fanconi anemia complementation group D2. Also called: FANCD2-Related Fanconi Anemia; FANCONI PANCYTOPENIA, TYPE 4; FANCONI ANEMIA, COMPLEMENTATION GROUP D. Identifiers: Orphanet 84, MedGen C3160738, MONDO:0009214, OMIM 227646.

Submission:

Leiden Open Variation Database
Classification: Pathogenic for Fanconi anemia complementation group D2. Last evaluated: 2020-02-28. Review status: no assertion criteria provided. Collection method: curation. Allele origin: germline. Affected: yes.
Comment: Curator: Arleen D. Auerbach. Submitter to LOVD: Arleen D. Auerbach.

Literature cited by the submitters: PubMed 17436244.

NM_001018115.3(FANCD2):c.696-2A>T

Genes: FANCD2 (FA complementation group D2; plus strand), LOC107303338 (3p25 FANCD2 Alu-mediated recombination region; plus strand). Cytogenetic location: 3p25.3.
Variant type: single nucleotide variant.
Coding change: c.696-2A>T on transcript NM_001018115.3 (MANE Select); the canonical splice acceptor site of the intron before coding-DNA position 696, A replaced by T.
Molecular consequence: splice acceptor variant.
Genome position (GRCh38, 1-based): chr3:10,041,621, A>T. VCF-style: chr3-10041621-A-T. GRCh37 (hg19) VCF-style: chr3-10083305-A-T.
Other names: c.696-2A>T (NM_001319984.2, NM_001374253.1, NM_033084.6 and 1 more transcripts).
Identifiers: ClinVar variation 929645 (VCV000929645.1), dbSNP rs2086865333, ClinGen allele CA351725979.